The following is an entry in ClinVar:

NM_000393.5(COL5A2):c.2002C>A (p.Gln668Lys)

Gene: COL5A2 (collagen type V alpha 2 chain; minus strand). Cytogenetic location: 2q32.2.
Variant type: single nucleotide variant.
Coding change: c.2002C>A on transcript NM_000393.5 (MANE Select); coding-DNA position 2002, C replaced by A.
Protein change: p.Gln668Lys; replaces glutamine 668 with lysine.
Molecular consequence: missense variant.
Genome position (GRCh38, 1-based): chr2:189,061,591, G>T on the plus strand (C>A on the coding strand, the complement: COL5A2 is on the minus strand). VCF-style: chr2-189061591-G-T. GRCh37 (hg19) VCF-style: chr2-189926317-G-T.
Other names: c.2002C>A (NM_000393.4); short protein forms Q668K.
Identifiers: ClinVar variation 519672 (VCV000519672.15), dbSNP rs144652675, ClinGen allele CA62600806.
Genomic context (GRCh38, chr2:189,061,591, plus strand): 5'-AGATGAAATGGAAAACCGAATTAGTGCATACCTGAAAACCTGTGGGGCCTGGAGGTCCTT[G>T]TTCTCCTCTTTCACCAGCTAGACCCTAAGTTGTGAAGGAGAAAATAATTGTGAATATAAC-3'
Protein context (NP_000384.2, residues 658-678): PPGLAGERGE[Gln668Lys]GPPGPTGFQG

ClinVar aggregate classification (germline): Conflicting classifications of pathogenicity. Review status: criteria provided, conflicting classifications (1 of 4 stars). 4 submissions from 4 submitters: Uncertain significance (2); Likely benign (1). 1 of the submissions does not count toward it. Last evaluated 2025-05-27.

Conditions:
COL5A2-related disorder. Also called: COL5A2-related condition.
Ehlers-Danlos syndrome, classic type, 1 (EDSCL1). Also called: Ehlers-Danlos Syndrome, Classic Type, COL5A1-Related; EDS I; Ehlers-Danlos syndrome, type 1; EHLERS-DANLOS SYNDROME, GRAVIS TYPE; EHLERS-DANLOS SYNDROME, SEVERE CLASSIC TYPE. Identifiers: MedGen C0268335, MONDO:0019567, OMIM 130000.
Familial thoracic aortic aneurysm and aortic dissection (TAAD). Also called: Thoracic aortic aneurysms and dissections. Identifiers: Orphanet 91387, MedGen C4707243, MONDO:0019625.

Allele frequency attached by ClinVar (database versions not stated): gnomAD 0.00001; gnomAD exomes 0.00005 and 0.00001; ESP Exome Variant Server 0.00008; TOPMed 0.00001.
gnomAD v4.1: 70 of 1,613,060 alleles (0.0043%); highest among the groups gnomAD compares: Non-Finnish European, 0.0056%; no homozygotes.

Submissions (4):

Women's Health and Genetics/Laboratory Corporation of America, LabCorp
Classification: Likely benign. Last evaluated: 2025-05-27. Review status: criteria provided, single submitter. Criteria: LabCorp Variant Classification Summary - May 2015. Collection method: clinical testing. Allele origin: germline.
Comment: Variant summary: COL5A2 c.2002C>A (p.Gln668Lys) results in a conservative amino acid change in the encoded protein sequence. Algorithms developed to predict the effect of missense changes on protein structure and function are either unavailable or do not agree on the potential impact of this missense change. The variant allele was found at a frequency of 4.3e-05 in 1613060 control chromosomes (i.e. 70 heterozygous individuals), predominantly at a frequency of 5.6e-05 within the Non-Finnish European subpopulation in the gnomAD database. The observed variant frequency within Non-Finnish European control individuals in the gnomAD database is approximately 1.8 fold of the estimated maximal expected allele frequency for a pathogenic variant in COL5A2 causing Ehlers-Danlos syndrome, classic type, 2 phenotype (3.1e-05). To our knowledge, no occurrence of c.2002C>A in individuals affected with Ehlers-Danlos syndrome, classic type, 2 and no experimental evidence demonstrating its impact on protein function have been reported. ClinVar contains an entry for this variant (Variation ID: 519672). Based on the evidence outlined above, the variant was classified as likely benign.

Labcorp Genetics (formerly Invitae), Labcorp
Classification: Uncertain significance for Ehlers-Danlos syndrome, classic type, 1. Last evaluated: 2023-04-24. Review status: criteria provided, single submitter. Criteria: Invitae Variant Classification Sherloc (09022015). Collection method: clinical testing. Allele origin: germline.
Comment: In summary, the available evidence is currently insufficient to determine the role of this variant in disease. Therefore, it has been classified as a Variant of Uncertain Significance. Advanced modeling of protein sequence and biophysical properties (such as structural, functional, and spatial information, amino acid conservation, physicochemical variation, residue mobility, and thermodynamic stability) performed at Invitae indicates that this missense variant is not expected to disrupt COL5A2 protein function. ClinVar contains an entry for this variant (Variation ID: 519672). This variant has not been reported in the literature in individuals affected with COL5A2-related conditions. This variant is present in population databases (rs144652675, gnomAD 0.003%). This sequence change replaces glutamine, which is neutral and polar, with lysine, which is basic and polar, at codon 668 of the COL5A2 protein (p.Gln668Lys).

Ambry Genetics
Classification: Uncertain significance for Familial thoracic aortic aneurysm and aortic dissection. Last evaluated: 2016-06-14. Review status: criteria provided, single submitter. Criteria: Ambry Variant Classification Scheme 2023. Collection method: clinical testing. Allele origin: germline.
Comment: The p.Q668K variant (also known as c.2002C>A), located in coding exon 30 of the COL5A2 gene, results from a C to A substitution at nucleotide position 2002. The glutamine at codon 668 is replaced by lysine, an amino acid with similar properties. This variant was previously reported in the SNPDatabase as rs144652675. Based on data from the NHLBI Exome Sequencing Project (ESP), the A allele has an overall frequency of approximately 0.01% (1/13006) total alleles studied, having been observed in 0.02% (1/4406) African American alleles. This amino acid position is highly conserved in available vertebrate species. In addition, the in silico prediction for this alteration is inconclusive. Since supporting evidence is limited at this time, the clinical significance of this alteration remains unclear.

PreventionGenetics, part of Exact Sciences
Classification: Uncertain significance for COL5A2-related condition. Last evaluated: 2024-06-26. Review status: no assertion criteria provided. Collection method: clinical testing. Allele origin: germline. Not counted in ClinVar's aggregate classification.
Comment: The COL5A2 c.2002C>A variant is predicted to result in the amino acid substitution p.Gln668Lys. To our knowledge, this variant has not been reported in the literature. This variant is reported in 0.0026% of alleles in individuals of European (Non-Finnish) descent in gnomAD. At this time, the clinical significance of this variant is uncertain due to the absence of conclusive functional and genetic evidence.